The following is an entry in ClinVar:

NM_003737.4(DCHS1):c.7225G>A (p.Gly2409Ser)

Gene: DCHS1 (dachsous cadherin-related 1; minus strand). Cytogenetic location: 11p15.4.
Variant type: single nucleotide variant.
Coding change: c.7225G>A on transcript NM_003737.4 (MANE Select); coding-DNA position 7225, G replaced by A.
Protein change: p.Gly2409Ser; replaces glycine 2409 with serine.
Molecular consequence: missense variant.
Genome position (GRCh38, 1-based): chr11:6,624,790, C>T on the plus strand (G>A on the coding strand, the complement: DCHS1 is on the minus strand). VCF-style: chr11-6624790-C-T. GRCh37 (hg19) VCF-style: chr11-6646021-C-T.
Other names: short protein forms G2409S.
Identifiers: ClinVar variation 2983509 (VCV002983509.3), dbSNP rs746602849, ClinGen allele CA5859653.

ClinVar aggregate classification (germline): Uncertain significance (1 of 4 stars; one submission).

Allele frequency attached by ClinVar (database versions not stated): gnomAD exomes 0.00001; ExAC 0.00005; gnomAD 0.00005; TOPMed 0.00005.

Submission:

Labcorp Genetics (formerly Invitae), Labcorp
Classification: Uncertain significance. Last evaluated: 2024-06-03. Review status: criteria provided, single submitter. Criteria: Invitae Variant Classification Sherloc (09022015). Collection method: clinical testing. Allele origin: germline.
Comment: This sequence change replaces glycine, which is neutral and non-polar, with serine, which is neutral and polar, at codon 2409 of the DCHS1 protein (p.Gly2409Ser). This variant is present in population databases (rs746602849, gnomAD 0.01%). This variant has not been reported in the literature in individuals affected with DCHS1-related conditions. Advanced modeling of protein sequence and biophysical properties (such as structural, functional, and spatial information, amino acid conservation, physicochemical variation, residue mobility, and thermodynamic stability) performed at Invitae indicates that this missense variant is not expected to disrupt DCHS1 protein function with a negative predictive value of 80%. In summary, the available evidence is currently insufficient to determine the role of this variant in disease. Therefore, it has been classified as a Variant of Uncertain Significance.